The following is an entry in ClinVar:

ClinVar aggregate classification (germline): Benign/Likely benign. Review status: criteria provided, multiple submitters, no conflicts (2 of 4 stars). 3 submissions from 3 submitters: Benign (1); Likely benign (2). Last evaluated 2026-09-23.

Conditions:
Huntington disease (HD). Also called: Huntington's chorea; Huntington's disease; HUNTINGTON CHOREA. Identifiers: Orphanet 248111, Orphanet 399, MedGen C0020179, MONDO:0007739, OMIM 143100.

Submissions (3):

Department Of Human Genetics, Institute Of Clinical And Translational Research, Biomedical Research Center, Slovak Academy Of Sciences
Classification: Benign for Huntington disease. Last evaluated: 2026-09-23. Review status: criteria provided, single submitter. Criteria: ACMG Guidelines for Huntington disease, 2014. Collection method: research. Allele origin: germline. Inheritance: Autosomal dominant inheritance.
Comment: The NC_000004.12.g.3074878_3074940AGC[22]AAC[1]AGC[1] allele represents a complex trinucleotide repeat sequence in the HTT (huntingtin) gene. The repeat tract consists of 22 consecutive AGC repeats, followed by one AAC repeat and one additional AGC repeat. This sequence corresponds to 22 uninterrupted glutamine-encoding units or 24 interrupted glutamine-encoding repeat units (this count the AAC interruption and the additional AGC to the total number of repeats on the DNA level, while all resulting in glutamine residues at the protein level). Huntington disease (HD) is an autosomal dominant neurodegenerative disorder caused by an expansion of the CAG trinucleotide repeat in exon 1 of the HTT gene. HTT alleles containing 26 or fewer CAG repeats are considered within the normal range, whereas alleles containing 27–35 repeats are classified as intermediate/premutation, 36-39 repeats as reduced-penetrance pathogenic alleles, and 40 or more repeats as full-penetrance pathogenic alleles. This allele falls into the benign range both when considering the 22 uninterrupted as well as the 24 interrupted glutamine-encoding repeats. The allele reached 1.97% frequency in the general population of Slovakia (in 609 genotyped alleles).

Laboratory of Genetics, Children's Clinical University Hospital Latvia
Classification: Likely benign. Last evaluated: 2025-02-16. Review status: criteria provided, single submitter. Criteria: ACMG Guidelines, 2015. Collection method: clinical testing. Allele origin: germline. Affected: yes.

Blueprint Genetics
Classification: Likely benign. Last evaluated: 2024-11-26. Review status: criteria provided, single submitter. Criteria: ACMG Guidelines, 2015. Collection method: clinical testing. Allele origin: germline.

NM_001388492.1(HTT):c.54GCA[24] (p.Gln38_Pro39insGlnGlnGlnGlnGln)

Genes: HTT (huntingtin; plus strand), LOC109461479 (huntingtin repeat instability region; plus strand), LOC129929027 (ATAC-STARR-seq lymphoblastoid silent region 15199; plus strand). Cytogenetic location: 4p16.3.
Variant type: Microsatellite.
Coding change: c.54GCA[24] on transcript NM_001388492.1 (MANE Select); 24 copies in a row of the 3-base unit GCA starting at c.54.
Protein change: p.Gln38_Pro39insGlnGlnGlnGlnGln.
Genome position: GRCh38 VCF-style: chr4-3074876-C-CCAGCAGCAG. GRCh37 (hg19) VCF-style: chr4-3076603-C-CCAGCAGCAG.
Other names: c.54GCA[24], p.Gln40_Pro41insGlnGlnGln (NM_002111.8).
Identifiers: ClinVar variation 3910361 (VCV003910361.3).